The following is an entry in ClinVar:

ClinVar aggregate classification (germline): Uncertain significance. Review status: criteria provided, multiple submitters, no conflicts (2 of 4 stars). 2 submissions from 2 submitters: Uncertain significance (2). Last evaluated 2023-07-22.

Conditions:
Inborn genetic diseases. Identifiers: MedGen C0950123, MeSH D030342.

Allele frequency attached by ClinVar (database versions not stated): ExAC 0.00006.
gnomAD v4.1: 39 of 1,600,442 alleles (0.0024%); highest among the groups gnomAD compares: South Asian, 0.042%; no homozygotes.

Submissions (2):

Labcorp Genetics (formerly Invitae), Labcorp
Classification: Uncertain significance. Last evaluated: 2023-07-22. Review status: criteria provided, single submitter. Criteria: Invitae Variant Classification Sherloc (09022015). Collection method: clinical testing. Allele origin: germline.
Comment: In summary, the available evidence is currently insufficient to determine the role of this variant in disease. Therefore, it has been classified as a Variant of Uncertain Significance. An algorithm developed to predict the effect of missense changes on protein structure and function (PolyPhen-2) suggests that this variant is likely to be disruptive. ClinVar contains an entry for this variant (Variation ID: 2569102). This variant has not been reported in the literature in individuals affected with OBSL1-related conditions. This variant is present in population databases (rs750505464, gnomAD 0.03%). This sequence change replaces alanine, which is neutral and non-polar, with glycine, which is neutral and non-polar, at codon 321 of the OBSL1 protein (p.Ala321Gly).

Ambry Genetics
Classification: Uncertain significance for Inborn genetic diseases. Last evaluated: 2023-03-29. Review status: criteria provided, single submitter. Criteria: Ambry Variant Classification Scheme 2023. Collection method: clinical testing. Allele origin: germline.

NM_015311.3(OBSL1):c.962C>G (p.Ala321Gly)

Gene: OBSL1 (obscurin like cytoskeletal adaptor 1; minus strand). Cytogenetic location: 2q35.
Variant type: single nucleotide variant.
Coding change: c.962C>G on transcript NM_015311.3 (MANE Select); coding-DNA position 962, C replaced by G.
Protein change: p.Ala321Gly; replaces alanine 321 with glycine.
Molecular consequence: missense variant.
Genome position (GRCh38, 1-based): chr2:219,570,271, G>C on the plus strand (C>G on the coding strand, the complement: OBSL1 is on the minus strand). VCF-style: chr2-219570271-G-C. GRCh37 (hg19) VCF-style: chr2-220434993-G-C.
Other names: c.962C>G, p.Ala321Gly (NM_001173408.2, NM_001173431.2); short protein forms A321G.
Identifiers: ClinVar variation 2569102 (VCV002569102.4), dbSNP rs750505464, ClinGen allele CA2131693.